The following is an entry in ClinVar:

ClinVar aggregate classification (germline): Uncertain significance (1 of 4 stars; one submission).

Conditions:
Autosomal dominant nonsyndromic hearing loss 65. Also called: Deafness, autosomal dominant 65; TBC1D24-Related Autosomal Dominant Nonsyndromic Hearing Loss (DFNA). Identifiers: Orphanet 90635, MedGen C3892048, MONDO:0014470, OMIM 616044.
Developmental and epileptic encephalopathy, 1 (DEE1). Also called: INFANTILE SPASM SYNDROME, X-LINKED 1; X-linked infantile spasms; West's syndrome; Tonic spasms with clustering, arrest of psychomotor development and hypsarrhythmia on EEG; X-Linked Infantile Spasm Syndrome; OHTAHARA SYNDROME, X-LINKED. Identifiers: MedGen C3463992, MONDO:0010632, OMIM 308350. Disease mechanism: loss of function.

gnomAD v4.1: 1 of 1,603,666 alleles (0.000062%); highest among the groups gnomAD compares: Non-Finnish European, 0.000085%; no homozygotes.

Submission:

Labcorp Genetics (formerly Invitae), Labcorp
Classification: Uncertain significance for Developmental and epileptic encephalopathy, 1; Autosomal dominant nonsyndromic hearing loss 65. Last evaluated: 2023-03-01. Review status: criteria provided, single submitter. Criteria: Invitae Variant Classification Sherloc (09022015). Collection method: clinical testing. Allele origin: germline.
Comment: This variant is not present in population databases (gnomAD no frequency). This missense change has been observed in individual(s) with deafness (PMID: 32860223, 33986365). An algorithm developed to predict the effect of missense changes on protein structure and function (PolyPhen-2) suggests that this variant is likely to be disruptive. In summary, the available evidence is currently insufficient to determine the role of this variant in disease. Therefore, it has been classified as a Variant of Uncertain Significance. This sequence change replaces glycine, which is neutral and non-polar, with glutamic acid, which is acidic and polar, at codon 509 of the TBC1D24 protein (p.Gly509Glu).

Literature cited by the submitters: PubMed 32860223; PubMed 33986365.

NM_001199107.2(TBC1D24):c.1526G>A (p.Gly509Glu)

Gene: TBC1D24 (TBC1 domain family member 24; plus strand). Cytogenetic location: 16p13.3.
Variant type: single nucleotide variant.
Coding change: c.1526G>A on transcript NM_001199107.2 (MANE Select); coding-DNA position 1526, G replaced by A.
Protein change: p.Gly509Glu; replaces glycine 509 with glutamic acid.
Molecular consequence: missense variant.
Genome position (GRCh38, 1-based): chr16:2,500,804, G>A. VCF-style: chr16-2500804-G-A. GRCh37 (hg19) VCF-style: chr16-2550805-G-A.
Other names: c.1508G>A, p.Gly503Glu (NM_020705.3); short protein forms G503E, G509E.
Identifiers: ClinVar variation 2937297 (VCV002937297.3), dbSNP rs796053406, ClinGen allele CA394381449.